The following is an entry in ClinVar:

NM_001099274.3(TINF2):c.1211G>T (p.Gly404Val)

Gene: TINF2 (TERF1 interacting nuclear factor 2; minus strand). Cytogenetic location: 14q12.
Variant type: single nucleotide variant.
Coding change: c.1211G>T on transcript NM_001099274.3 (MANE Select); coding-DNA position 1211, G replaced by T.
Protein change: p.Gly404Val; replaces glycine 404 with valine.
Molecular consequence: missense variant. On other transcripts: 3 prime UTR variant (1).
Genome position (GRCh38, 1-based): chr14:24,240,074, C>A on the plus strand (G>T on the coding strand, the complement: TINF2 is on the minus strand). VCF-style: chr14-24240074-C-A. GRCh37 (hg19) VCF-style: chr14-24709280-C-A.
Other names: c.1106G>T, p.Gly369Val (NM_001363668.2); c.*341G>T (NM_012461.3); short protein forms G369V, G404V.
Identifiers: ClinVar variation 1023751 (VCV001023751.9), dbSNP rs765918306, ClinGen allele CA389221171.

ClinVar aggregate classification (germline): Uncertain significance (1 of 4 stars; one submission).

Conditions:
Dyskeratosis congenita. Identifiers: Orphanet 1775, MedGen C0265965, MONDO:0015780.

Allele frequency attached by ClinVar (database versions not stated): TOPMed below 0.00001.
gnomAD v4.1: 1 of 1,614,134 alleles (0.000062%); highest among the groups gnomAD compares: African/African-American, 0.0013%; no homozygotes.

Submissions (2):

Labcorp Genetics (formerly Invitae), Labcorp
Classification: Uncertain significance for Dyskeratosis congenita. Last evaluated: 2020-04-28. Review status: criteria provided, single submitter. Criteria: Invitae Variant Classification Sherloc (09022015). Collection method: clinical testing. Allele origin: germline.
Comment: This sequence change replaces glycine with valine at codon 404 of the TINF2 protein (p.Gly404Val). The glycine residue is weakly conserved and there is a moderate physicochemical difference between glycine and valine. This variant is not present in population databases (ExAC no frequency). This variant has not been reported in the literature in individuals with TINF2-related conditions. Algorithms developed to predict the effect of missense changes on protein structure and function are either unavailable or do not agree on the potential impact of this missense change (SIFT: "Tolerated"; PolyPhen-2: "Probably Damaging"; Align-GVGD: "Class C0"). Algorithms developed to predict the effect of sequence changes on RNA splicing suggest that this variant may create or strengthen a splice site, but this prediction has not been confirmed by published transcriptional studies. In summary, the available evidence is currently insufficient to determine the role of this variant in disease. Therefore, it has been classified as a Variant of Uncertain Significance.

Dr. Peter K. Rogan Lab, Western University
No classification provided (evidence only). Condition: Malignant tumor of urinary bladder. Review status: no classification provided. Collection method: in vitro. Allele origin: not applicable. Functional consequence: retained intron. Not counted in ClinVar's aggregate classification.